The following is an entry in ClinVar:

ClinVar aggregate classification (germline): Benign/Likely benign. Review status: criteria provided, multiple submitters, no conflicts (2 of 4 stars). 16 submissions from 16 submitters: Benign (12); Likely benign (1). 3 of the submissions do not count toward it. Last evaluated 2026-02-04.

Conditions:
Oligodontia-cancer predisposition syndrome. Also called: TOOTH AGENESIS-COLORECTAL CANCER SYNDROME. Identifiers: Orphanet 300576, MedGen C1837750, MONDO:0012075, OMIM 608615. Disease mechanism: loss of function.
Colorectal cancer. Also called: Colorectal cancer, somatic; Malignant Colorectal Neoplasm. Identifiers: MedGen C0346629, MONDO:0005575, OMIM 114500.
Hereditary cancer-predisposing syndrome. Also called: Neoplastic Syndromes, Hereditary; Hereditary neoplastic syndrome; Tumor predisposition; Hereditary Cancer Syndrome. Identifiers: Orphanet 140162, MedGen C0027672, MeSH D009386, MONDO:0015356.

Allele frequency attached by ClinVar (database versions not stated): gnomAD exomes 0.00302; ExAC 0.00502; ESP Exome Variant Server 0.01189; gnomAD 0.01272 and 0.01367; TOPMed 0.01387; 1000 Genomes Project 0.01458; 1000 Genomes Project 30x 0.01483.
gnomAD v4.1: 3,777 of 1,568,738 alleles (0.24%); highest among the groups gnomAD compares: African/African-American, 4.4%; 82 homozygotes.

Submissions (16):

Labcorp Genetics (formerly Invitae), Labcorp
Classification: Benign for Oligodontia-cancer predisposition syndrome. Last evaluated: 2026-02-04. Review status: criteria provided, single submitter. Criteria: Invitae Variant Classification Sherloc (09022015). Collection method: clinical testing. Allele origin: germline.

Quest Diagnostics Nichols Institute San Juan Capistrano
Classification: Benign. Last evaluated: 2025-06-19. Review status: criteria provided, single submitter. Criteria: Quest Diagnostics criteria. Collection method: clinical testing. Allele origin: unknown.

Center for Genomic Medicine, Rigshospitalet, Copenhagen University Hospital
Classification: Benign. Last evaluated: 2025-03-04. Review status: criteria provided, single submitter. Criteria: ACMG Guidelines, 2015. Collection method: clinical testing. Allele origin: germline.

Department of Pathology and Laboratory Medicine, Sinai Health System
Classification: Benign for oligodontia-cancer predisposition syndrome. Last evaluated: 2025-02-11. Review status: criteria provided, single submitter. Criteria: ACMG Guidelines, 2015. Collection method: clinical testing. Allele origin: germline.

Myriad Genetics, Inc.
Classification: Benign for Oligodontia-cancer predisposition syndrome. Last evaluated: 2024-07-03. Review status: criteria provided, single submitter. Criteria: Myriad Autosomal Dominant, Autosomal Recessive and X-Linked Classification Criteria (2023). Collection method: clinical testing. Allele origin: unknown.
Comment: This variant is considered benign. This variant is a silent/synonymous amino acid change and it is not expected to impact splicing.

KCCC/NGS Laboratory, Kuwait Cancer Control Center
Classification: Benign for Oligodontia-cancer predisposition syndrome. Last evaluated: 2023-07-07. Review status: criteria provided, single submitter. Criteria: ACMG Guidelines, 2015. Collection method: clinical testing. Allele origin: germline. Affected: yes.

ARUP Laboratories, Molecular Genetics and Genomics, ARUP Laboratories
Classification: Benign. Last evaluated: 2022-10-20. Review status: criteria provided, single submitter. Criteria: ARUP Molecular Germline Variant Investigation Process 2021. Collection method: clinical testing. Allele origin: germline.

Fulgent Genetics
Classification: Likely benign for Colorectal cancer; Oligodontia-cancer predisposition syndrome. Last evaluated: 2021-11-11. Review status: criteria provided, single submitter. Criteria: ACMG Guidelines, 2015. Collection method: clinical testing. Allele origin: unknown.

Ambry Genetics
Classification: Benign for Hereditary cancer-predisposing syndrome. Last evaluated: 2019-05-08. Review status: criteria provided, single submitter. Criteria: Ambry Variant Classification Scheme 2023. Collection method: clinical testing. Allele origin: germline.

Illumina Laboratory Services, Illumina
Classification: Benign for Oligodontia-cancer predisposition syndrome. Last evaluated: 2018-01-12. Review status: criteria provided, single submitter. Criteria: ICSL Variant Classification Criteria 13 December 2019. Collection method: clinical testing. Allele origin: germline.
Comment: This variant was observed in the ICSL laboratory as part of a predisposition screen in an ostensibly healthy population. It had not been previously curated by ICSL or reported in the Human Gene Mutation Database (HGMD: prior to June 1st, 2018), and was therefore a candidate for classification through an automated scoring system. Utilizing variant allele frequency, disease prevalence and penetrance estimates, and inheritance mode, an automated score was calculated to assess if this variant is too frequent to cause the disease. Based on the score and internal cut-off values, a variant classified as benign is not then subjected to further curation. The score for this variant resulted in a classification of benign for this disease.

Women's Health and Genetics/Laboratory Corporation of America, LabCorp
Classification: Benign. Last evaluated: 2017-10-12. Review status: criteria provided, single submitter. Criteria: LabCorp Variant Classification Summary - May 2015. Collection method: clinical testing. Allele origin: germline.
Comment: Variant summary: The AXIN2 c.1383C>T (p.Ser461Ser) variant involves the alteration of a non-conserved nucleotide causing a synonymous change and 5/5 splice prediction tools predict no significant impact on normal splicing. ESE finder predicts that this variant may alter ESE binding. However, these predictions have yet to be confirmed by functional studies. This variant was found in 878/207554 control chromosomes (gnomAD), predominantly observed in the African subpopulation at a frequency of 0.042356 (799/18864, 22 homozygotes). This frequency is about 298 times the estimated maximal expected allele frequency of a pathogenic AXIN2 variant (0.0001421), suggesting this is likely a benign polymorphism found primarily in the populations of African origin. In addition, multiple clinical diagnostic laboratories classified this variant as "likely benign/benign." The variant of interest has not, to our knowledge, been reported in affected individuals via publications. Taken together, this variant is classified as benign.

GeneDx
Classification: Benign. Last evaluated: 2015-03-03. Review status: criteria provided, single submitter. Criteria: GeneDx Variant Classification Process June 2021. Collection method: clinical testing. Allele origin: germline. Affected: yes.

Breakthrough Genomics
Classification: Benign. Review status: criteria provided, single submitter. Criteria: ACMG Guidelines, 2015. Collection method: not provided. Allele origin: germline. Inheritance: Autosomal dominant inheritance. Affected: yes.

Clinical Genetics, Academic Medical Center
Classification: Benign. Review status: no assertion criteria provided. Collection method: clinical testing. Allele origin: germline. Affected: yes. Study: VKGL Data-share Consensus. Not counted in ClinVar's aggregate classification.

Genome Diagnostics Laboratory, Amsterdam University Medical Center
Classification: Benign. Review status: no assertion criteria provided. Collection method: clinical testing. Allele origin: germline. Affected: yes. Study: VKGL Data-share Consensus. Not counted in ClinVar's aggregate classification.

Mayo Clinic Laboratories, Mayo Clinic
Classification: Benign. Review status: no assertion criteria provided. Collection method: clinical testing. Allele origin: unknown. Not counted in ClinVar's aggregate classification.

NM_004655.4(AXIN2):c.1383C>T (p.Ser461=)

Gene: AXIN2 (axin 2; minus strand). Cytogenetic location: 17q24.1.
Variant type: single nucleotide variant.
Coding change: c.1383C>T on transcript NM_004655.4 (MANE Select); coding-DNA position 1383, C replaced by T.
Protein change: p.Ser461=; no amino-acid change (serine 461 retained).
Molecular consequence: synonymous variant.
Genome position (GRCh38, 1-based): chr17:65,537,653, G>A on the plus strand (C>T on the coding strand, the complement: AXIN2 is on the minus strand). VCF-style: chr17-65537653-G-A. GRCh37 (hg19) VCF-style: chr17-63533771-G-A.
Other names: c.1383C>T (LRG_296t1); c.1383C>T, p.Ser461= (NM_001363813.1).
Identifiers: ClinVar variation 239984 (VCV000239984.47), dbSNP rs9914661, ClinGen allele CA8718665.